The following is an entry in ClinVar:

NM_001128840.3(CACNA1D):c.3859A>G (p.Ser1287Gly)

Gene: CACNA1D (calcium voltage-gated channel subunit alpha1 D; plus strand). Cytogenetic location: 3p21.1.
Variant type: single nucleotide variant.
Coding change: c.3859A>G on transcript NM_001128840.3 (MANE Select); coding-DNA position 3859, A replaced by G.
Protein change: p.Ser1287Gly; replaces serine 1287 with glycine.
Molecular consequence: missense variant.
Genome position (GRCh38, 1-based): chr3:53,762,070, A>G. VCF-style: chr3-53762070-A-G. GRCh37 (hg19) VCF-style: chr3-53796097-A-G.
Other names: c.3919A>G, p.Ser1307Gly (NM_000720.4); c.3859A>G, p.Ser1287Gly (NM_001128839.3); short protein forms S1287G, S1307G.
Identifiers: ClinVar variation 4769455 (VCV004769455.1).

ClinVar aggregate classification (germline): Uncertain significance (1 of 4 stars; one submission).

gnomAD v4.1: 4 of 1,611,508 alleles (0.00025%); highest among the groups gnomAD compares: South Asian, 0.0011%; no homozygotes.

Submission:

Labcorp Genetics (formerly Invitae), Labcorp
Classification: Uncertain significance. Last evaluated: 2025-06-22. Review status: criteria provided, single submitter. Criteria: Invitae Variant Classification Sherloc (09022015). Collection method: clinical testing. Allele origin: germline.
Comment: This sequence change replaces serine, which is neutral and polar, with glycine, which is neutral and non-polar, at codon 1307 of the CACNA1D protein (p.Ser1307Gly). This variant is present in population databases (rs751890269, gnomAD 0.003%). This variant has not been reported in the literature in individuals affected with CACNA1D-related conditions. Invitae Evidence Modeling of protein sequence and biophysical properties (such as structural, functional, and spatial information, amino acid conservation, physicochemical variation, residue mobility, and thermodynamic stability) indicates that this missense variant is not expected to disrupt CACNA1D protein function with a negative predictive value of 80%. In summary, the available evidence is currently insufficient to determine the role of this variant in disease. Therefore, it has been classified as a Variant of Uncertain Significance.